The following is an entry in ClinVar:

ClinVar aggregate classification (germline): not provided (0 of 4 stars; one submission).

Allele frequency attached by ClinVar (database versions not stated): gnomAD 0.00001.
gnomAD v4.1: 1 of 152,334 alleles (0.00066%); highest among the groups gnomAD compares: East Asian, 0.019%; no homozygotes.

Submission:

Human Evolutionary Genetics, Institut Pasteur
No classification provided. Review status: no classification provided. Collection method: not provided. Allele origin: germline.
ClinVar note: Converted during submission from untested to not provided.

NM_145007.5(NLRP11):c.-194-7C>T

Gene: NLRP11 (NLR family pyrin domain containing 11; minus strand). Cytogenetic location: 19q13.43.
Variant type: single nucleotide variant.
Coding change: c.-194-7C>T on transcript NM_145007.5; 7 bases into the intron before 194 bases upstream of the start codon, C replaced by T.
Molecular consequence: intron variant.
Genome position (GRCh38, 1-based): chr19:55,832,101, G>A on the plus strand (C>T on the coding strand, the complement: NLRP11 is on the minus strand). VCF-style: chr19-55832101-G-A. GRCh37 (hg19) VCF-style: chr19-56343467-G-A.
Other names: c.-158-7C>T (NM_001297743.3); c.-194-7C>T (NM_001385451.2, NM_001385453.2).
Identifiers: ClinVar variation 103265 (VCV000103265.4), dbSNP rs199475858, ClinGen allele CA230340.